The following is an entry in ClinVar:

ClinVar aggregate classification (germline): Uncertain significance (1 of 4 stars; one submission).

Conditions:
Inborn genetic diseases. Identifiers: MedGen C0950123, MeSH D030342.

gnomAD v4.1: 1 of 1,537,892 alleles (0.000065%); highest among the groups gnomAD compares: Non-Finnish European, 0.000089%; no homozygotes.

Submission:

Ambry Genetics
Classification: Uncertain significance for Inborn genetic diseases. Last evaluated: 2025-10-07. Review status: criteria provided, single submitter. Criteria: Ambry Variant Classification Scheme 2023. Collection method: clinical testing. Allele origin: germline.
Comment: The p.I1399F variant (also known as c.4195A>T), located in coding exon 29 of the ANKRD26 gene, results from an A to T substitution at nucleotide position 4195. The isoleucine at codon 1399 is replaced by phenylalanine, an amino acid with highly similar properties. This amino acid position is conserved. In addition, this alteration is predicted to be tolerated by in silico analysis. Based on the available evidence, the clinical significance of this variant remains unclear.

NM_014915.3(ANKRD26):c.4195A>T (p.Ile1399Phe)

Gene: ANKRD26 (ankyrin repeat domain 26; minus strand). Cytogenetic location: 10p12.1.
Variant type: single nucleotide variant.
Coding change: c.4195A>T on transcript NM_014915.3 (MANE Select); coding-DNA position 4195, A replaced by T.
Protein change: p.Ile1399Phe; replaces isoleucine 1399 with phenylalanine.
Molecular consequence: missense variant.
Genome position (GRCh38, 1-based): chr10:27,022,578, T>A on the plus strand (A>T on the coding strand, the complement: ANKRD26 is on the minus strand). VCF-style: chr10-27022578-T-A. GRCh37 (hg19) VCF-style: chr10-27311507-T-A.
Other names: c.4192A>T, p.Ile1398Phe (NM_001256053.2); short protein forms I1398F, I1399F.
Identifiers: ClinVar variation 4579192 (VCV004579192.1).
Genomic context (GRCh38, chr10:27,022,578, plus strand): 5'-TTAAGTGACTTTTTTGGTCCCAAAACTTATTAAAAATTACCTTATGTTTTAGCTTATTAA[T>A]CTGAATATCCATTTCAAATTGACTAGTTTTTAAATCTCCATGGAAACTAAATTCTCCATT-3'
Protein context (NP_055730.2, residues 1389-1409): KTSQFEMDIQ[Ile1399Phe]NKLKHKIDDL